The following is an entry in ClinVar:

ClinVar aggregate classification (germline): Uncertain significance. Review status: criteria provided, multiple submitters, no conflicts (2 of 4 stars). 2 submissions from 2 submitters: Uncertain significance (2). Last evaluated 2025-08-01.

Allele frequency attached by ClinVar (database versions not stated): gnomAD exomes 0.00001; ExAC 0.00003; gnomAD 0.00005; TOPMed 0.00010.
gnomAD v4.1: 21 of 1,613,852 alleles (0.0013%); highest among the groups gnomAD compares: African/African-American, 0.021%; no homozygotes.

Submissions (2):

Ambry Genetics
Classification: Uncertain significance. Last evaluated: 2025-08-01. Review status: criteria provided, single submitter. Criteria: Ambry Variant Classification Scheme 2023. Collection method: clinical testing. Allele origin: germline.

Labcorp Genetics (formerly Invitae), Labcorp
Classification: Uncertain significance. Last evaluated: 2022-08-05. Review status: criteria provided, single submitter. Criteria: Invitae Variant Classification Sherloc (09022015). Collection method: clinical testing. Allele origin: germline.
Comment: This sequence change replaces lysine, which is basic and polar, with arginine, which is basic and polar, at codon 641 of the ZNF341 protein (p.Lys641Arg). This variant is present in population databases (rs766030942, gnomAD 0.02%). This variant has not been reported in the literature in individuals affected with ZNF341-related conditions. Algorithms developed to predict the effect of missense changes on protein structure and function are either unavailable or do not agree on the potential impact of this missense change (SIFT: "Deleterious"; PolyPhen-2: "Probably Damaging"; Align-GVGD: "Class C0"). In summary, the available evidence is currently insufficient to determine the role of this variant in disease. Therefore, it has been classified as a Variant of Uncertain Significance.

NM_001282933.2(ZNF341):c.1943A>G (p.Lys648Arg)

Genes: ZNF341 (zinc finger protein 341; plus strand), ZNF341-AS1 (ZNF341 antisense RNA 1; minus strand). Cytogenetic location: 20q11.22.
Variant type: single nucleotide variant.
Coding change: c.1943A>G on transcript NM_001282933.2 (MANE Select); coding-DNA position 1943, A replaced by G.
Protein change: p.Lys648Arg; replaces lysine 648 with arginine.
Molecular consequence: missense variant. On other transcripts: non-coding transcript variant (1).
Genome position (GRCh38, 1-based): chr20:33,788,953, A>G. VCF-style: chr20-33788953-A-G. GRCh37 (hg19) VCF-style: chr20-32376759-A-G.
Other names: c.1922A>G (NM_032819.3); c.1673A>G, p.Lys558Arg (NM_001282935.2); c.1922A>G, p.Lys641Arg (NM_032819.5); short protein forms K648R, K641R, K558R.
Identifiers: ClinVar variation 2090261 (VCV002090261.2), dbSNP rs766030942, ClinGen allele CA9819621.